The following is an entry in ClinVar:

NM_001034853.2(RPGR):c.349_350insA (p.Gly117fs)

Gene: RPGR (retinitis pigmentosa GTPase regulator; minus strand). Cytogenetic location: Xp11.4.
Variant type: Insertion.
Coding change: c.349_350insA on transcript NM_001034853.2 (MANE Select); coding-DNA positions 349 to 350, A inserted.
Protein change: p.Gly117fs; shifts the reading frame from glycine 117.
Molecular consequence: frameshift variant. On other transcripts: non-coding transcript variant (6).
Genome position: GRCh38 VCF-style: chrX-38318948-C-CT. GRCh37 (hg19) VCF-style: chrX-38178201-C-CT.
Other names: c.349_350insA, p.Gly117fs (NM_000328.3, NM_001367245.1, NM_001367246.1 and 3 more transcripts); c.379_380insA, p.Gly127fs (NM_001367248.1); c.346_347insA, p.Gly116fs (NM_001367249.1); short protein forms G116fs, G117fs, G127fs.
Identifiers: ClinVar variation 2817059 (VCV002817059.3), dbSNP rs2519895161, ClinGen allele CA2739273462.

ClinVar aggregate classification (germline): Pathogenic (1 of 4 stars; one submission).

Conditions:
Primary ciliary dyskinesia. Also called: Ciliary dyskinesia. Identifiers: Orphanet 244, MedGen C0008780, MONDO:0016575, HP:0012265.

Submission:

Labcorp Genetics (formerly Invitae), Labcorp
Classification: Pathogenic for Primary ciliary dyskinesia. Last evaluated: 2022-11-28. Review status: criteria provided, single submitter. Criteria: Invitae Variant Classification Sherloc (09022015). Collection method: clinical testing. Allele origin: germline.
Comment: This sequence change creates a premature translational stop signal (p.Gly117Glufs*7) in the RPGR gene. It is expected to result in an absent or disrupted protein product. Loss-of-function variants in RPGR are known to be pathogenic (PMID: 16055928, 16969763). This variant is not present in population databases (gnomAD no frequency). This variant has not been reported in the literature in individuals affected with RPGR-related conditions. For these reasons, this variant has been classified as Pathogenic.

Literature cited by the submitters: PubMed 16055928; PubMed 16969763.